The following is an entry in ClinVar:

ClinVar aggregate classification (germline): Uncertain significance. Review status: criteria provided, multiple submitters, no conflicts (2 of 4 stars). 2 submissions from 2 submitters: Uncertain significance (2). Last evaluated 2025-11-04.

Conditions:
Hereditary cancer-predisposing syndrome. Also called: Tumor predisposition; Hereditary neoplastic syndrome; Neoplastic Syndromes, Hereditary; Hereditary Cancer Syndrome. Identifiers: Orphanet 140162, MedGen C0027672, MeSH D009386, MONDO:0015356.

Allele frequency attached by ClinVar (database versions not stated): gnomAD exomes below 0.00001; TOPMed below 0.00001.
gnomAD v4.1: 1 of 1,613,306 alleles (0.000062%); highest among the groups gnomAD compares: Non-Finnish European, 0.000085%; no homozygotes.

Submissions (2):

Labcorp Genetics (formerly Invitae), Labcorp
Classification: Uncertain significance. Last evaluated: 2025-11-04. Review status: criteria provided, single submitter. Criteria: Invitae Variant Classification Sherloc (09022015). Collection method: clinical testing. Allele origin: germline.
Comment: This sequence change replaces histidine, which is basic and polar, with arginine, which is basic and polar, at codon 36 of the HOXB13 protein (p.His36Arg). This variant is not present in population databases (gnomAD no frequency). This variant has not been reported in the literature in individuals affected with HOXB13-related conditions. ClinVar contains an entry for this variant (Variation ID: 818350). An algorithm developed to predict the effect of missense changes on protein structure and function (PolyPhen-2) suggests that this variant is likely to be tolerated. In summary, the available evidence is currently insufficient to determine the role of this variant in disease. Therefore, it has been classified as a Variant of Uncertain Significance.

Ambry Genetics
Classification: Uncertain significance for Hereditary cancer-predisposing syndrome. Last evaluated: 2024-02-16. Review status: criteria provided, single submitter. Criteria: Ambry Variant Classification Scheme 2023. Collection method: clinical testing. Allele origin: germline.
Comment: The p.H36R variant (also known as c.107A>G), located in coding exon 1 of the HOXB13 gene, results from an A to G substitution at nucleotide position 107. The histidine at codon 36 is replaced by arginine, an amino acid with highly similar properties. This amino acid position is well conserved in available vertebrate species. In addition, the in silico prediction for this alteration is inconclusive. Since supporting evidence is limited at this time, the clinical significance of this alteration remains unclear.

NM_006361.6(HOXB13):c.107A>G (p.His36Arg)

Gene: HOXB13 (homeobox B13; minus strand). Cytogenetic location: 17q21.32.
Variant type: single nucleotide variant.
Coding change: c.107A>G on transcript NM_006361.6 (MANE Select); coding-DNA position 107, A replaced by G.
Protein change: p.His36Arg; replaces histidine 36 with arginine.
Molecular consequence: missense variant.
Genome position (GRCh38, 1-based): chr17:48,728,487, T>C on the plus strand (A>G on the coding strand, the complement: HOXB13 is on the minus strand). VCF-style: chr17-48728487-T-C. GRCh37 (hg19) VCF-style: chr17-46805849-T-C.
Other names: short protein forms H36R.
Identifiers: ClinVar variation 818350 (VCV000818350.5), dbSNP rs1597935095, ClinGen allele CA400109308.